The following is an entry in ClinVar:

ClinVar aggregate classification (germline): Pathogenic (1 of 4 stars; one submission).

Conditions:
Hereditary breast ovarian cancer syndrome. Also called: Hereditary breast and ovarian cancer syndrome (HBOC); Breast and ovarian cancer; Hereditary breast and ovarian cancer; Hereditary breast and ovarian cancer syndrome; BRCA1- and BRCA2-Associated Hereditary Breast and Ovarian Cancer; Hereditary breast and/or ovarian cancer syndrome. Identifiers: Orphanet 145, MedGen C0677776, MeSH D061325, MONDO:0003582. Disease mechanism: loss of function.

Submission:

Women's Health and Genetics/Laboratory Corporation of America, LabCorp
Classification: Pathogenic for Hereditary breast ovarian cancer syndrome. Last evaluated: 2023-12-26. Review status: criteria provided, single submitter. Criteria: LabCorp Variant Classification Summary - May 2015. Collection method: clinical testing. Allele origin: germline.
Comment: Variant summary: The variant involves the deletion of exons 5-9 which includes the last exon in the RAD51C gene. The exact breakpoint at the distal 3' end of this variant is unknown, therefore this deletion may extend downstream of the annotated region of the gene. As it encompasses the termination codon, it is predicted to escape nonsense mediated decay (NMD). A presumed nomenclature of c.(705+1_706-1)_(*1390_?)del has been designated for the purposes of this classification. The variant was absent in 21694 control chromosomes (gnomAD structural variants dataset). c.(705+1_706-1)_(*1390_?)del has been reported in the literature in individuals affected with Hereditary Breast And Ovarian Cancer Syndrome (examples: Schubert_2019, and Schnurbein_2013). These data indicate that the variant is likely to be associated with disease. The following publications have been ascertained in the context of this evaluation (PMID: 30426508, 24359560). One submitter has cited clinical-significance assessments for this variant to ClinVar after 2014 and has classified the variant as pathogenic. Based on the evidence outlined above, the variant was classified as pathogenic.

Literature cited by the submitters: PubMed 30426508; PubMed 24359560.

NC_000017.10:g.(56780691_56787219)_(56812973_?)del

Gene: RAD51C (RAD51 paralog C; plus strand). Cytogenetic location: 17q22.
Variant type: Deletion.
Identifiers: ClinVar variation 2691415 (VCV002691415.1).